The following is an entry in ClinVar:

NM_002485.5(NBN):c.1404G>C (p.Arg468Ser)

Gene: NBN (nibrin; minus strand). Cytogenetic location: 8q21.3.
Variant type: single nucleotide variant.
Coding change: c.1404G>C on transcript NM_002485.5 (MANE Select); coding-DNA position 1404, G replaced by C.
Protein change: p.Arg468Ser; replaces arginine 468 with serine.
Molecular consequence: missense variant.
Genome position (GRCh38, 1-based): chr8:89,953,685, C>G on the plus strand (G>C on the coding strand, the complement: NBN is on the minus strand). VCF-style: chr8-89953685-C-G. GRCh37 (hg19) VCF-style: chr8-90965913-C-G.
Other names: c.1158G>C, p.Arg386Ser (NM_001024688.3); c.1404G>C (NM_002485.4); short protein forms R386S, R468S.
Identifiers: ClinVar variation 1482756 (VCV001482756.9), dbSNP rs730881851, ClinGen allele CA371655923.

ClinVar aggregate classification (germline): Uncertain significance. Review status: criteria provided, multiple submitters, no conflicts (2 of 4 stars). 2 submissions from 2 submitters: Uncertain significance (2). Last evaluated 2024-09-12.

Conditions:
Hereditary cancer-predisposing syndrome. Also called: Hereditary neoplastic syndrome; Tumor predisposition; Neoplastic Syndromes, Hereditary; Hereditary Cancer Syndrome. Identifiers: Orphanet 140162, MedGen C0027672, MeSH D009386, MONDO:0015356.
Microcephaly, normal intelligence and immunodeficiency (NBS). Also called: Nijmegen breakage syndrome; Microcephaly with normal intelligence immunodeficiency and lymphoreticular malignancies; Nonsyndromal microcephaly autosomal recessive with normal intelligence; Seemanova syndrome 2; IMMUNODEFICIENCY, MICROCEPHALY, AND CHROMOSOMAL INSTABILITY; SEEMANOVA SYNDROME II. Identifiers: Orphanet 647, MedGen C0398791, MONDO:0009623, OMIM 251260.

Submissions (2):

Ambry Genetics
Classification: Uncertain significance for Hereditary cancer-predisposing syndrome. Last evaluated: 2024-09-12. Review status: criteria provided, single submitter. Criteria: Ambry Variant Classification Scheme 2023. Collection method: clinical testing. Allele origin: germline.
Comment: The p.R468S variant (also known as c.1404G>C), located in coding exon 11 of the NBN gene, results from a G to C substitution at nucleotide position 1404. The arginine at codon 468 is replaced by serine, an amino acid with dissimilar properties. This amino acid position is conserved. In addition, this alteration is predicted to be tolerated by in silico analysis. Based on the available evidence, the clinical significance of this variant remains unclear.

Labcorp Genetics (formerly Invitae), Labcorp
Classification: Uncertain significance for Microcephaly, normal intelligence and immunodeficiency. Last evaluated: 2021-04-15. Review status: criteria provided, single submitter. Criteria: Invitae Variant Classification Sherloc (09022015). Collection method: clinical testing. Allele origin: germline.
Comment: In summary, the available evidence is currently insufficient to determine the role of this variant in disease. Therefore, it has been classified as a Variant of Uncertain Significance. Algorithms developed to predict the effect of missense changes on protein structure and function are either unavailable or do not agree on the potential impact of this missense change (SIFT: "Deleterious"; PolyPhen-2: "Possibly Damaging"; Align-GVGD: "Class C0"). This variant has not been reported in the literature in individuals with NBN-related conditions. This variant is not present in population databases (ExAC no frequency). This sequence change replaces arginine with serine at codon 468 of the NBN protein (p.Arg468Ser). The arginine residue is moderately conserved and there is a moderate physicochemical difference between arginine and serine.